The following is an entry in ClinVar:

ClinVar aggregate classification (germline): Likely benign. Review status: criteria provided, single submitter (1 of 4 stars). 2 submissions from 2 submitters: Likely benign (1). 1 of the submissions does not count toward it. Last evaluated 2026-01-04.

Conditions:
TIMM50-related disorder. Also called: TIMM50-related condition.

Allele frequency attached by ClinVar (database versions not stated): gnomAD exomes 0.00006 and 0.00020; 1000 Genomes Project 30x 0.00031; 1000 Genomes Project 0.00040; ExAC 0.00041; gnomAD 0.00074 and 0.00083; ESP Exome Variant Server 0.00115.
gnomAD v4.1: 207 of 1,610,100 alleles (0.013%); highest among the groups gnomAD compares: African/African-American, 0.26%; 1 homozygote.

Submissions (2):

Labcorp Genetics (formerly Invitae), Labcorp
Classification: Likely benign. Last evaluated: 2026-01-04. Review status: criteria provided, single submitter. Criteria: Invitae Variant Classification Sherloc (09022015). Collection method: clinical testing. Allele origin: germline.

PreventionGenetics, part of Exact Sciences
Classification: Likely benign for TIMM50-related condition. Last evaluated: 2024-02-19. Review status: no assertion criteria provided. Collection method: clinical testing. Allele origin: germline. Not counted in ClinVar's aggregate classification.
Comment: This variant is classified as likely benign based on ACMG/AMP sequence variant interpretation guidelines (Richards et al. 2015 PMID: 25741868, with internal and published modifications).

NM_001001563.5(TIMM50):c.1042C>T (p.Pro348Ser)

Gene: TIMM50 (translocase of inner mitochondrial membrane 50; plus strand). Cytogenetic location: 19q13.2.
Variant type: single nucleotide variant.
Coding change: c.1042C>T on transcript NM_001001563.5 (MANE Select); coding-DNA position 1042, C replaced by T.
Protein change: p.Pro348Ser; replaces proline 348 with serine.
Molecular consequence: missense variant.
Genome position (GRCh38, 1-based): chr19:39,489,800, C>T. VCF-style: chr19-39489800-C-T. GRCh37 (hg19) VCF-style: chr19-39980440-C-T.
Other names: c.703C>T, p.Pro235Ser (NM_001329559.2); c.1351C>T (NM_001001563.3); short protein forms P235S, P348S.
Identifiers: ClinVar variation 1109648 (VCV001109648.11), dbSNP rs149462184, ClinGen allele CA9432059.